The following is an entry in ClinVar:

ClinVar aggregate classification (germline): Likely pathogenic (1 of 4 stars; one submission).

Conditions:
PMM2-congenital disorder of glycosylation. Also called: CARBOHYDRATE-DEFICIENT GLYCOPROTEIN SYNDROME, TYPE Ia; Congenital disorder of glycosylation, type Ia; CDG Ia; JAEKEN SYNDROME; PHOSPHOMANNOMUTASE 2 DEFICIENCY; PMM2-CDG. Identifiers: Orphanet 79318, MedGen C0349653, MONDO:0008907, OMIM 212065.

gnomAD v4.1: 1 of 1,613,902 alleles (0.000062%); highest among the groups gnomAD compares: Admixed American, 0.0017%; no homozygotes.

Submission:

Labcorp Genetics (formerly Invitae), Labcorp
Classification: Likely pathogenic for PMM2-congenital disorder of glycosylation. Last evaluated: 2025-11-13. Review status: criteria provided, single submitter. Criteria: Invitae Variant Classification Sherloc (09022015). Collection method: clinical testing. Allele origin: germline.
Comment: This sequence change replaces cysteine, which is neutral and slightly polar, with serine, which is neutral and polar, at codon 192 of the PMM2 protein (p.Cys192Ser). This variant is present in population databases (no rsID available, gnomAD 0.003%). This variant has not been reported in the literature in individuals affected with PMM2-related conditions. ClinVar contains an entry for this variant (Variation ID: 2903111). Invitae Evidence Modeling of protein sequence and biophysical properties (such as structural, functional, and spatial information, amino acid conservation, physicochemical variation, residue mobility, and thermodynamic stability) indicates that this missense variant is expected to disrupt PMM2 protein function with a positive predictive value of 95%. This variant disrupts the p.Cys192 amino acid residue in PMM2. Other variant(s) that disrupt this residue have been determined to be pathogenic (PMID: 10602363). This suggests that this residue is clinically significant, and that variants that disrupt this residue are likely to be disease-causing. In summary, the currently available evidence indicates that the variant is pathogenic, but additional data are needed to prove that conclusively. Therefore, this variant has been classified as Likely Pathogenic.

Literature cited by the submitters: PubMed 10602363.

NM_000303.3(PMM2):c.574T>A (p.Cys192Ser)

Gene: PMM2 (phosphomannomutase 2; plus strand). Cytogenetic location: 16p13.2.
Variant type: single nucleotide variant.
Coding change: c.574T>A on transcript NM_000303.3 (MANE Select); coding-DNA position 574, T replaced by A.
Protein change: p.Cys192Ser; replaces cysteine 192 with serine.
Molecular consequence: missense variant.
Genome position (GRCh38, 1-based): chr16:8,813,041, T>A. VCF-style: chr16-8813041-T-A. GRCh37 (hg19) VCF-style: chr16-8906898-T-A.
Other names: short protein forms C192S.
Identifiers: ClinVar variation 2903111 (VCV002903111.3), dbSNP rs1392999374, ClinGen allele CA394697867.